The following is an entry in ClinVar:

ClinVar aggregate classification (germline): Uncertain significance. Review status: criteria provided, multiple submitters, no conflicts (2 of 4 stars). 2 submissions from 2 submitters: Uncertain significance (2). Last evaluated 2022-04-11.

Conditions:
Hereditary cancer-predisposing syndrome. Also called: Hereditary neoplastic syndrome; Neoplastic Syndromes, Hereditary; Tumor predisposition; Hereditary Cancer Syndrome. Identifiers: Orphanet 140162, MedGen C0027672, MeSH D009386, MONDO:0015356.
Ataxia-telangiectasia syndrome (AT). Also called: LOUIS-BAR SYNDROME; Cerebello-oculocutaneous telangiectasia; Immunodeficiency with ataxia telangiectasia; AT, COMPLEMENTATION GROUP C; Ataxia-telangiectasia, complementation group D; ATAXIA-TELANGIECTASIA, COMPLEMENTATION GROUP A. Identifiers: Orphanet 100, MedGen C0004135, MONDO:0008840, OMIM 208900.

Submissions (2):

Revvity Omics, Revvity
Classification: Uncertain significance for Ataxia-telangiectasia syndrome. Last evaluated: 2022-04-11. Review status: criteria provided, single submitter. Criteria: ACMG Guidelines, 2015. Collection method: clinical testing. Allele origin: germline.

Ambry Genetics
Classification: Uncertain significance for Hereditary cancer-predisposing syndrome. Last evaluated: 2017-07-28. Review status: criteria provided, single submitter. Criteria: Ambry Variant Classification Scheme 2023. Collection method: clinical testing. Allele origin: germline.
Comment: The c.2338_2340delATG variant (also known as p.M780del) is located in coding exon 14 of the ATM gene. This variant results from an in-frame ATG deletion at nucleotide positions 2338 to 2340. This results in the in-frame deletion of a methionine at codon 780. This amino acid position is not well conserved in available vertebrate species. Since supporting evidence is limited at this time, the clinical significance of this alteration remains unclear.

NM_000051.4(ATM):c.2335ATG[1] (p.Met780del)

Gene: ATM (ATM serine/threonine kinase; plus strand). Cytogenetic location: 11q22.3.
Variant type: Microsatellite.
Coding change: c.2335ATG[1] on transcript NM_000051.4 (MANE Select); one copy of the 3-base unit ATG starting at c.2335; the reference has two copies in a row; one copy, 3 bases deleted; also written c.2338_2340del.
Protein change: p.Met780del; deletes methionine 780.
Molecular consequence: inframe deletion.
Genome position (GRCh38, 1-based): chr11:108,257,568-108,257,570, ATG deleted; deleting any 3 consecutive bases within chr11:108,257,565-108,257,570 gives the same sequence; the position shown is the placement nearest the transcript's 3' end. VCF-style (leftmost placement, unchanged base first): chr11-108257564-TATG-T. GRCh37 (hg19) VCF-style: chr11-108128291-TATG-T.
Other names: c.2338_2340delATG (NM_000051.3); c.2338_2340del (NM_000051.3); c.2335ATG[1], p.Met780del (NM_001351834.2); short protein forms M780del.
Identifiers: ClinVar variation 482695 (VCV000482695.8), dbSNP rs1555075763, ClinGen allele CA658656211.